The following is an entry in ClinVar:

NM_004369.4(COL6A3):c.5022C>G (p.Asp1674Glu)

Gene: COL6A3 (collagen type VI alpha 3 chain; minus strand). Cytogenetic location: 2q37.3.
Variant type: single nucleotide variant.
Coding change: c.5022C>G on transcript NM_004369.4 (MANE Select); coding-DNA position 5022, C replaced by G.
Protein change: p.Asp1674Glu; replaces aspartic acid 1674 with glutamic acid.
Molecular consequence: missense variant.
Genome position (GRCh38, 1-based): chr2:237,367,165, G>C on the plus strand (C>G on the coding strand, the complement: COL6A3 is on the minus strand). VCF-style: chr2-237367165-G-C. GRCh37 (hg19) VCF-style: chr2-238275808-G-C.
Other names: c.3201C>G, p.Asp1067Glu (NM_057166.5); c.4404C>G, p.Asp1468Glu (NM_057167.4); short protein forms D1067E, D1468E, D1674E.
Identifiers: ClinVar variation 4874520 (VCV004874520.2).

ClinVar aggregate classification (germline): Uncertain significance (1 of 4 stars; one submission).

Submission:

CeGaT Center for Human Genetics Tuebingen
Classification: Uncertain significance. Last evaluated: 2026-04-01. Review status: criteria provided, single submitter. Criteria: CeGaT Center For Human Genetics Tuebingen Variant Classification Criteria Version 2. Collection method: clinical testing. Allele origin: germline. Affected: yes. Observed: 1 variant allele.
Comment: COL6A3: PM2